The following is an entry in ClinVar:

NM_003482.4(KMT2D):c.7516C>T (p.Leu2506Phe)

Gene: KMT2D (lysine methyltransferase 2D; minus strand). Cytogenetic location: 12q13.12.
Variant type: single nucleotide variant.
Coding change: c.7516C>T on transcript NM_003482.4 (MANE Select); coding-DNA position 7516, C replaced by T.
Protein change: p.Leu2506Phe; replaces leucine 2506 with phenylalanine.
Molecular consequence: missense variant.
Genome position (GRCh38, 1-based): chr12:49,040,254, G>A on the plus strand (C>T on the coding strand, the complement: KMT2D is on the minus strand). VCF-style: chr12-49040254-G-A. GRCh37 (hg19) VCF-style: chr12-49434037-G-A.
Other names: short protein forms L2506F.
Identifiers: ClinVar variation 2141350 (VCV002141350.10), dbSNP rs749670394, ClinGen allele CA6547048.

ClinVar aggregate classification (germline): Conflicting classifications of pathogenicity. Review status: criteria provided, conflicting classifications (1 of 4 stars). 4 submissions from 4 submitters: Uncertain significance (1); Benign (1); Likely benign (2). Last evaluated 2026-01-01.

Conditions:
Kabuki syndrome 1 (KABUK1). Also called: KMT2D-Related Kabuki Syndrome. Identifiers: Orphanet 2322, MedGen CN030661, MONDO:0007843, OMIM 147920.
Choanal atresia-athelia-hypothyroidism-delayed puberty-short stature syndrome (BCAHH). Also called: BRANCHIAL ARCH ABNORMALITIES, CHOANAL ATRESIA, ATHELIA, HEARING LOSS, AND HYPOTHYROIDISM SYNDROME. Identifiers: Orphanet 589856, MedGen C5680310, MONDO:0035651, OMIM 620186.
Kabuki syndrome. Also called: NIIKAWA-KUROKI SYNDROME; Kabuki make-up syndrome. Identifiers: Orphanet 2322, MedGen C0796004, MONDO:0016512.

Allele frequency attached by ClinVar (database versions not stated): ExAC 0.00001.
gnomAD v4.1: 17 of 1,612,300 alleles (0.0011%); highest among the groups gnomAD compares: Admixed American, 0.0033%; no homozygotes.

Submissions (4):

CeGaT Center for Human Genetics Tuebingen
Classification: Likely benign. Last evaluated: 2026-01-01. Review status: criteria provided, single submitter. Criteria: CeGaT Center For Human Genetics Tuebingen Variant Classification Criteria Version 2. Collection method: clinical testing. Allele origin: germline. Affected: yes. Observed: 1 variant allele.
Comment: KMT2D: BP4

Labcorp Genetics (formerly Invitae), Labcorp
Classification: Benign for Kabuki syndrome. Last evaluated: 2025-11-11. Review status: criteria provided, single submitter. Criteria: Invitae Variant Classification Sherloc (09022015). Collection method: clinical testing. Allele origin: germline.

Laboratory of Genetics, Children's Clinical University Hospital Latvia
Classification: Likely benign. Last evaluated: 2025-02-16. Review status: criteria provided, single submitter. Criteria: ACMG Guidelines, 2015. Collection method: clinical testing. Allele origin: germline. Affected: yes.

Fulgent Genetics
Classification: Uncertain significance for Kabuki syndrome 1; Choanal atresia-athelia-hypothyroidism-delayed puberty-short stature syndrome. Last evaluated: 2024-06-10. Review status: criteria provided, single submitter. Criteria: ACMG Guidelines, 2015. Collection method: clinical testing. Allele origin: germline.